The following is an entry in ClinVar:

ClinVar aggregate classification (germline): Uncertain significance (1 of 4 stars; one submission).

Conditions:
SRCAP-related disorder. Also called: SRCAP-related condition.

Submission:

PreventionGenetics, part of Exact Sciences
Classification: Uncertain significance for SRCAP-related condition. Last evaluated: 2022-09-30. Review status: criteria provided, single submitter. Criteria: ACMG Guidelines, 2015. Collection method: clinical testing. Allele origin: germline.
Comment: The SRCAP c.5011C>T variant is predicted to result in the amino acid substitution p.Pro1671Ser. To our knowledge, this variant has not been reported in the literature or in a large population database, indicating this variant is rare. At this time, the clinical significance of this variant is uncertain due to the absence of conclusive functional and genetic evidence.

NM_006662.3(SRCAP):c.5011C>T (p.Pro1671Ser)

Gene: SRCAP (Snf2 related CREBBP activator protein; plus strand). Cytogenetic location: 16p11.2.
Variant type: single nucleotide variant.
Coding change: c.5011C>T on transcript NM_006662.3 (MANE Select); coding-DNA position 5011, C replaced by T.
Protein change: p.Pro1671Ser; replaces proline 1671 with serine.
Molecular consequence: missense variant.
Genome position (GRCh38, 1-based): chr16:30,724,435, C>T. VCF-style: chr16-30724435-C-T. GRCh37 (hg19) VCF-style: chr16-30735756-C-T.
Other names: short protein forms P1671S.
Identifiers: ClinVar variation 2628461 (VCV002628461.1), dbSNP rs2506680970, ClinGen allele CA395617234.